The following is an entry in ClinVar:

ClinVar aggregate classification (germline): Uncertain significance (1 of 4 stars; one submission).

Conditions:
Dyskeratosis congenita. Identifiers: Orphanet 1775, MedGen C0265965, MONDO:0015780.

Submission:

Labcorp Genetics (formerly Invitae), Labcorp
Classification: Uncertain significance for Dyskeratosis congenita. Last evaluated: 2025-05-12. Review status: criteria provided, single submitter. Criteria: Invitae Variant Classification Sherloc (09022015). Collection method: clinical testing. Allele origin: germline.
Comment: This sequence change replaces serine, which is neutral and polar, with threonine, which is neutral and polar, at codon 1200 of the CTC1 protein (p.Ser1200Thr). This variant is not present in population databases (gnomAD no frequency). This variant has not been reported in the literature in individuals affected with CTC1-related conditions. ClinVar contains an entry for this variant (Variation ID: 2131319). An algorithm developed to predict the effect of missense changes on protein structure and function (PolyPhen-2) suggests that this variant is likely to be disruptive. In summary, the available evidence is currently insufficient to determine the role of this variant in disease. Therefore, it has been classified as a Variant of Uncertain Significance.

NM_025099.6(CTC1):c.3598T>A (p.Ser1200Thr)

Gene: CTC1 (CST telomere replication complex component 1; minus strand). Cytogenetic location: 17p13.1.
Variant type: single nucleotide variant.
Coding change: c.3598T>A on transcript NM_025099.6 (MANE Select); coding-DNA position 3598, T replaced by A.
Protein change: p.Ser1200Thr; replaces serine 1200 with threonine.
Molecular consequence: missense variant. On other transcripts: non-coding transcript variant (1).
Genome position (GRCh38, 1-based): chr17:8,228,236, A>T on the plus strand (T>A on the coding strand, the complement: CTC1 is on the minus strand). VCF-style: chr17-8228236-A-T. GRCh37 (hg19) VCF-style: chr17-8131554-A-T.
Other names: c.3367T>A, p.Ser1123Thr (NM_001411067.1); short protein forms S1200T, S1123T.
Identifiers: ClinVar variation 2131319 (VCV002131319.4), dbSNP rs2507858402, ClinGen allele CA397967629.